The following is an entry in ClinVar:

ClinVar aggregate classification (germline): Conflicting classifications of pathogenicity. Review status: criteria provided, conflicting classifications (1 of 4 stars). 2 submissions from 2 submitters: Pathogenic (1); Uncertain significance (1). Last evaluated 2022-11-25.

Conditions:
OCA2-related disorder. Also called: OCA2-related condition.

Allele frequency attached by ClinVar (database versions not stated): ExAC 0.00001; gnomAD 0.00001; gnomAD exomes 0.00001; TOPMed 0.00001.
gnomAD v4.1: 14 of 1,612,574 alleles (0.00087%); highest among the groups gnomAD compares: Non-Finnish European, 0.0012%; no homozygotes.

Submissions (2):

Blueprint Genetics
Classification: Pathogenic for OCA2-related disorders. Last evaluated: 2022-11-25. Review status: criteria provided, single submitter. Criteria: ACMG Guidelines, 2015. Collection method: clinical testing. Allele origin: germline. Affected: yes. Observed: 5 variant alleles.

Labcorp Genetics (formerly Invitae), Labcorp
Classification: Uncertain significance. Last evaluated: 2021-12-31. Review status: criteria provided, single submitter. Criteria: Invitae Variant Classification Sherloc (09022015). Collection method: clinical testing. Allele origin: germline.
Comment: This sequence change replaces arginine, which is basic and polar, with threonine, which is neutral and polar, at codon 172 of the OCA2 protein (p.Arg172Thr). This variant also falls at the last nucleotide of exon 4, which is part of the consensus splice site for this exon. This variant is present in population databases (rs762091768, gnomAD 0.002%). This variant has not been reported in the literature in individuals affected with OCA2-related conditions. Algorithms developed to predict the effect of missense changes on protein structure and function are either unavailable or do not agree on the potential impact of this missense change (SIFT: "Tolerated"; PolyPhen-2: "Possibly Damaging"; Align-GVGD: "Class C0"). Variants that disrupt the consensus splice site are a relatively common cause of aberrant splicing (PMID: 17576681, 9536098). Algorithms developed to predict the effect of sequence changes on RNA splicing suggest that this variant may disrupt the consensus splice site. In summary, the available evidence is currently insufficient to determine the role of this variant in disease. Therefore, it has been classified as a Variant of Uncertain Significance.

Literature cited by the submitters: PubMed 17576681 (cited by Labcorp Genetics (formerly Invitae), Labcorp); PubMed 9536098 (cited by Labcorp Genetics (formerly Invitae), Labcorp).

NM_000275.3(OCA2):c.515G>C (p.Arg172Thr)

Gene: OCA2 (OCA2 melanosomal transmembrane protein; minus strand). Cytogenetic location: 15q13.1.
Variant type: single nucleotide variant.
Coding change: c.515G>C on transcript NM_000275.3 (MANE Select); coding-DNA position 515, G replaced by C.
Protein change: p.Arg172Thr; replaces arginine 172 with threonine.
Molecular consequence: missense variant.
Genome position (GRCh38, 1-based): chr15:28,027,871, C>G on the plus strand (G>C on the coding strand, the complement: OCA2 is on the minus strand). VCF-style: chr15-28027871-C-G. GRCh37 (hg19) VCF-style: chr15-28273017-C-G.
Other names: c.515G>C, p.Arg172Thr (NM_001300984.2); short protein forms R172T.
Identifiers: ClinVar variation 1968633 (VCV001968633.3), dbSNP rs762091768, ClinGen allele CA7439480.